The following is an entry in ClinVar:

ClinVar aggregate classification (germline): Uncertain significance (1 of 4 stars; one submission).

Conditions:
ABCC9-related disorder. Also called: ABCC9-related disorders; ABCC9-related condition.

Submission:

PreventionGenetics, part of Exact Sciences
Classification: Uncertain significance for ABCC9-related condition. Last evaluated: 2023-01-23. Review status: criteria provided, single submitter. Criteria: ACMG Guidelines, 2015. Collection method: clinical testing. Allele origin: germline.
Comment: The ABCC9 c.525_563del39 variant is predicted to result in an in-frame deletion (p.Leu176_Ile188del). To our knowledge, this variant has not been reported in the literature or in a large population database, indicating this variant is rare. At this time, the clinical significance of this variant is uncertain due to the absence of conclusive functional and genetic evidence.

NM_020297.4(ABCC9):c.525_563del (p.Leu176_Ile188del)

Gene: ABCC9 (ATP binding cassette subfamily C member 9; minus strand). Cytogenetic location: 12p12.1.
Variant type: Deletion.
Coding change: c.525_563del on transcript NM_020297.4 (MANE Select); coding-DNA positions 525 to 563, 39 bases deleted.
Protein change: p.Leu176_Ile188del.
Molecular consequence: inframe deletion. On other transcripts: intron variant (1).
Genome position (GRCh38, 1-based): chr12:21,916,947-21,916,985, 39 bases deleted; deleting any 39 consecutive bases within chr12:21,916,947-21,916,990 gives the same sequence; the c. name uses the placement nearest the transcript's 3' end. GRCh37 (hg19): chr12:22,069,886-22,069,924.
Other names: c.-48-3919_-48-3881del (NM_001377274.1); c.525_563del, p.Leu176_Ile188del (NM_001377273.1, NM_005691.4).
Identifiers: ClinVar variation 2629635 (VCV002629635.1), dbSNP rs2541746898, ClinGen allele CA2695199057.